The following is an entry in ClinVar:

ClinVar aggregate classification (germline): Likely pathogenic (1 of 4 stars; one submission).

Conditions:
Multicentric osteolysis nodulosis arthropathy spectrum. Identifiers: Orphanet 3460, Orphanet 371428, MedGen C1850155, MONDO:0018298.

Submission:

Laboratory of Medical Genetics, National & Kapodistrian University of Athens
Classification: Likely pathogenic for Multicentric osteolysis, nodulosis, and arthropathy. Last evaluated: 2021-08-10. Review status: criteria provided, single submitter. Criteria: ACMG Guidelines, 2015. Collection method: clinical testing. Allele origin: paternal. Affected: yes.
Comment: PVS1, PM1, PM2, PP3

NM_004530.6(MMP2):c.529G>A (p.Glu177Lys)

Gene: MMP2 (matrix metallopeptidase 2; plus strand). Cytogenetic location: 16q12.2.
Variant type: single nucleotide variant.
Coding change: c.529G>A on transcript NM_004530.6 (MANE Select); coding-DNA position 529, G replaced by A.
Protein change: p.Glu177Lys; replaces glutamic acid 177 with lysine.
Molecular consequence: missense variant.
Genome position (GRCh38, 1-based): chr16:55,484,164, G>A. VCF-style: chr16-55484164-G-A. GRCh37 (hg19) VCF-style: chr16-55518076-G-A.
Other names: c.379G>A, p.Glu127Lys (NM_001127891.3); c.301G>A, p.Glu101Lys (NM_001302508.1, NM_001302509.2, NM_001302510.2); short protein forms E101K, E127K, E177K.
Identifiers: ClinVar variation 1299550 (VCV001299550.1), dbSNP rs1962181218, ClinGen allele CA395932155.